The following is an entry in ClinVar:

NM_001690.4(ATP6V1A):c.37G>A (p.Asp13Asn)

Gene: ATP6V1A (ATPase H+ transporting V1 subunit A; plus strand). Cytogenetic location: 3q13.31.
Variant type: single nucleotide variant.
Coding change: c.37G>A on transcript NM_001690.4 (MANE Select); coding-DNA position 37, G replaced by A.
Protein change: p.Asp13Asn; replaces aspartic acid 13 with asparagine.
Molecular consequence: missense variant.
Genome position (GRCh38, 1-based): chr3:113,778,790, G>A. VCF-style: chr3-113778790-G-A. GRCh37 (hg19) VCF-style: chr3-113497637-G-A.
Other names: short protein forms D13N.
Identifiers: ClinVar variation 4718440 (VCV004718440.1).

ClinVar aggregate classification (germline): Uncertain significance (1 of 4 stars; one submission).

Submission:

Labcorp Genetics (formerly Invitae), Labcorp
Classification: Uncertain significance. Last evaluated: 2025-04-27. Review status: criteria provided, single submitter. Criteria: Invitae Variant Classification Sherloc (09022015). Collection method: clinical testing. Allele origin: germline.
Comment: This sequence change replaces aspartic acid, which is acidic and polar, with asparagine, which is neutral and polar, at codon 13 of the ATP6V1A protein (p.Asp13Asn). This variant is not present in population databases (gnomAD no frequency). This variant has not been reported in the literature in individuals affected with ATP6V1A-related conditions. An algorithm developed to predict the effect of missense changes on protein structure and function (PolyPhen-2) suggests that this variant is likely to be tolerated. In summary, the available evidence is currently insufficient to determine the role of this variant in disease. Therefore, it has been classified as a Variant of Uncertain Significance.